The following is an entry in ClinVar:

ClinVar aggregate classification (germline): Uncertain significance (1 of 4 stars; one submission).

Allele frequency attached by ClinVar (database versions not stated): gnomAD exomes 0.00001 and 0.00003; ExAC 0.00003.
gnomAD v4.1: 20 of 1,614,188 alleles (0.0012%); highest among the groups gnomAD compares: Admixed American, 0.0017%; no homozygotes.

Submission:

Labcorp Genetics (formerly Invitae), Labcorp
Classification: Uncertain significance. Last evaluated: 2023-08-04. Review status: criteria provided, single submitter. Criteria: Invitae Variant Classification Sherloc (09022015). Collection method: clinical testing. Allele origin: germline.
Comment: This sequence change replaces alanine, which is neutral and non-polar, with threonine, which is neutral and polar, at codon 432 of the MTOR protein (p.Ala432Thr). This variant is present in population databases (rs761563438, gnomAD 0.005%). This variant has not been reported in the literature in individuals affected with MTOR-related conditions. ClinVar contains an entry for this variant (Variation ID: 1412535). Advanced modeling of protein sequence and biophysical properties (such as structural, functional, and spatial information, amino acid conservation, physicochemical variation, residue mobility, and thermodynamic stability) performed at Invitae indicates that this missense variant is not expected to disrupt MTOR protein function. In summary, the available evidence is currently insufficient to determine the role of this variant in disease. Therefore, it has been classified as a Variant of Uncertain Significance.

NM_004958.4(MTOR):c.1294G>A (p.Ala432Thr)

Gene: MTOR (mechanistic target of rapamycin kinase; minus strand). Cytogenetic location: 1p36.22.
Variant type: single nucleotide variant.
Coding change: c.1294G>A on transcript NM_004958.4 (MANE Select); coding-DNA position 1294, G replaced by A.
Protein change: p.Ala432Thr; replaces alanine 432 with threonine.
Molecular consequence: missense variant.
Genome position (GRCh38, 1-based): chr1:11,243,232, C>T on the plus strand (G>A on the coding strand, the complement: MTOR is on the minus strand). VCF-style: chr1-11243232-C-T. GRCh37 (hg19) VCF-style: chr1-11303289-C-T.
Other names: c.1294G>A, p.Ala432Thr (NM_001386500.1); c.46G>A, p.Ala16Thr (NM_001386501.1); short protein forms A16T, A432T.
Identifiers: ClinVar variation 1412535 (VCV001412535.6), dbSNP rs761563438, ClinGen allele CA590762.
Genomic context (GRCh38, chr1:11,243,232, plus strand): 5'-AATAGACCTTAAACTCAGACCTCACAGCCACAGAAAGTAGCCCCAGGGCTTGGAAGGCCG[C>T]TGTACGTTCCTTCTCCTTCTTGACACAGCTTAGGACATGGTTCATGGTATCTTGGAGATA-3'
Protein context (NP_004949.1, residues 422-442): SCVKKEKERT[Ala432Thr]AFQALGLLSV